The following is an entry in ClinVar:

ClinVar aggregate classification (germline): Likely benign. Review status: criteria provided, single submitter (1 of 4 stars). 2 submissions from 2 submitters: Likely benign (1). 1 of the submissions does not count toward it. Last evaluated 2025-01-21.

Conditions:
RAB23-related disorder. Also called: RAB23-related condition.
Inborn genetic diseases. Identifiers: MedGen C0950123, MeSH D030342.

gnomAD v4.1: 94 of 1,577,112 alleles (0.006%); highest among the groups gnomAD compares: Non-Finnish European, 0.0082%; no homozygotes.

Submissions (2):

Ambry Genetics
Classification: Likely benign for Inborn genetic diseases. Last evaluated: 2025-01-21. Review status: criteria provided, single submitter. Criteria: Ambry Variant Classification Scheme 2023. Collection method: clinical testing. Allele origin: germline.

PreventionGenetics, part of Exact Sciences
Classification: Likely benign for RAB23-related condition. Last evaluated: 2024-08-05. Review status: no assertion criteria provided. Collection method: clinical testing. Allele origin: germline. Not counted in ClinVar's aggregate classification.
Comment: This variant is classified as likely benign based on ACMG/AMP sequence variant interpretation guidelines (Richards et al. 2015 PMID: 25741868, with internal and published modifications).

NM_016277.5(RAB23):c.156A>G (p.Gln52=)

Gene: RAB23 (RAB23, member RAS oncogene family; minus strand). Cytogenetic location: 6p11.2.
Variant type: single nucleotide variant.
Coding change: c.156A>G on transcript NM_016277.5 (MANE Select); coding-DNA position 156, A replaced by G.
Protein change: p.Gln52=; no amino-acid change (glutamine 52 retained).
Molecular consequence: synonymous variant.
Genome position (GRCh38, 1-based): chr6:57,207,713, T>C on the plus strand (A>G on the coding strand, the complement: RAB23 is on the minus strand). VCF-style: chr6-57207713-T-C. GRCh37 (hg19) VCF-style: chr6-57072511-T-C.
Other names: c.156A>G, p.Gln52= (NM_001278666.2, NM_001278667.2, NM_001278668.2 and 1 more transcripts); c.156A>G (NM_183227.1).
Identifiers: ClinVar variation 3357726 (VCV003357726.2).